The following is an entry in ClinVar:

NM_001379500.1(COL18A1):c.2323G>T (p.Ala775Ser)

Gene: COL18A1 (collagen type XVIII alpha 1 chain; plus strand). Cytogenetic location: 21q22.3.
Variant type: single nucleotide variant.
Coding change: c.2323G>T on transcript NM_001379500.1 (MANE Select); coding-DNA position 2323, G replaced by T.
Protein change: p.Ala775Ser; replaces alanine 775 with serine.
Molecular consequence: missense variant.
Genome position (GRCh38, 1-based): chr21:45,493,546, G>T. VCF-style: chr21-45493546-G-T. GRCh37 (hg19) VCF-style: chr21-46913460-G-T.
Other names: NM_130445.2:c.2323G>T; c.3568G>T, p.Ala1190Ser (NM_130444.3); c.2863G>T, p.Ala955Ser (NM_030582.4); short protein forms A955S, A1190S, A775S.
Identifiers: ClinVar variation 2993215 (VCV002993215.4), dbSNP rs763734805, ClinGen allele CA410497476.

ClinVar aggregate classification (germline): Uncertain significance. Review status: criteria provided, multiple submitters, no conflicts (2 of 4 stars). 2 submissions from 2 submitters: Uncertain significance (2). Last evaluated 2023-11-17.

Conditions:
Inborn genetic diseases. Identifiers: MedGen C0950123, MeSH D030342.

gnomAD v4.1: 8 of 1,558,110 alleles (0.00051%); highest among the groups gnomAD compares: East Asian, 0.014%; no homozygotes.

Submissions (2):

Labcorp Genetics (formerly Invitae), Labcorp
Classification: Uncertain significance. Last evaluated: 2023-11-17. Review status: criteria provided, single submitter. Criteria: Invitae Variant Classification Sherloc (09022015). Collection method: clinical testing. Allele origin: germline.
Comment: This sequence change replaces alanine, which is neutral and non-polar, with serine, which is neutral and polar, at codon 775 of the COL18A1 protein (p.Ala775Ser). The frequency data for this variant in the population databases is considered unreliable, as metrics indicate poor data quality at this position in the gnomAD database. This variant has not been reported in the literature in individuals affected with COL18A1-related conditions. Experimental studies and prediction algorithms are not available or were not evaluated, and the functional significance of this variant is currently unknown. In summary, the available evidence is currently insufficient to determine the role of this variant in disease. Therefore, it has been classified as a Variant of Uncertain Significance.

Ambry Genetics
Classification: Uncertain significance for Inborn genetic diseases. Last evaluated: 2023-09-26. Review status: criteria provided, single submitter. Criteria: Ambry Variant Classification Scheme 2023. Collection method: clinical testing. Allele origin: germline.